The following is an entry in ClinVar:

ClinVar aggregate classification (germline): Uncertain significance (1 of 4 stars; one submission).

Submission:

Ambry Genetics
Classification: Uncertain significance. Last evaluated: 2023-06-01. Review status: criteria provided, single submitter. Criteria: Ambry Variant Classification Scheme 2023. Collection method: clinical testing. Allele origin: germline.
Comment: The p.G205D variant (also known as c.614G>A), located in coding exon 6 of the STAP1 gene, results from a G to A substitution at nucleotide position 614. The glycine at codon 205 is replaced by aspartic acid, an amino acid with similar properties. This amino acid position is conserved. In addition, this alteration is predicted to be deleterious by in silico analysis. Since supporting evidence is limited at this time, the clinical significance of this alteration remains unclear.

NM_012108.4(STAP1):c.614G>A (p.Gly205Asp)

Gene: STAP1 (signal transducing adaptor family member 1; plus strand). Cytogenetic location: 4q13.2.
Variant type: single nucleotide variant.
Coding change: c.614G>A on transcript NM_012108.4 (MANE Select); coding-DNA position 614, G replaced by A.
Protein change: p.Gly205Asp; replaces glycine 205 with aspartic acid.
Molecular consequence: missense variant.
Genome position (GRCh38, 1-based): chr4:67,583,657, G>A. VCF-style: chr4-67583657-G-A. GRCh37 (hg19) VCF-style: chr4-68449375-G-A.
Other names: c.614G>A, p.Gly205Asp (NM_001317769.2); short protein forms G205D.
Identifiers: ClinVar variation 2563493 (VCV002563493.2), dbSNP rs2545901254, ClinGen allele CA357053238.
Genomic context (GRCh38, chr4:67,583,657, plus strand): 5'-AAGAGGCAACTGAGATGCTCCAGAAGAACCCTTCTTTGGGAAATATGATCCTGAGGCCTG[G>A]TAGTGACAGTAGAAACTACTCCATCACTATTCGGCAGGAGATAGAGTATGTTTATTTTTT-3'
Protein context (NP_036240.1, residues 195-215): PSLGNMILRP[Gly205Asp]SDSRNYSITI